The following is an entry in ClinVar:

ClinVar aggregate classification (germline): Conflicting classifications of pathogenicity. Review status: criteria provided, conflicting classifications (1 of 4 stars). 3 submissions from 3 submitters: Likely pathogenic (1); Uncertain significance (2). Last evaluated 2026-03-13.

Conditions:
Congenital stationary night blindness 1A (CSNB1A). Also called: CSNB, COMPLETE, X-LINKED; HEMERALOPIA-MYOPIA; MYOPIA-NIGHT BLINDNESS; NIGHT BLINDNESS, CONGENITAL STATIONARY, WITH MYOPIA; Night blindness, congenital stationary (complete), 1A, X-linked; NYX-Related X-Linked Congenital Stationary Night Blindness. Identifiers: Orphanet 215, MedGen C3495587, MONDO:0010690, OMIM 310500.

Allele frequency attached by ClinVar (database versions not stated): gnomAD exomes 0.00001 and 0.00003; TOPMed 0.00001; gnomAD 0.00003; ExAC 0.00005.
gnomAD v4.1: 37 of 1,201,563 alleles (0.0031%); highest among the groups gnomAD compares: Non-Finnish European, 0.0039%; no homozygotes.

Submissions (3):

Victorian Clinical Genetics Services, Murdoch Childrens Research Institute
Classification: Uncertain significance for Congenital stationary night blindness 1A. Last evaluated: 2026-03-13. Review status: criteria provided, single submitter. Criteria: ACMG Guidelines, 2015. Collection method: clinical testing. Allele origin: germline.
Comment: This variant is classified as VUS-3B. Evidence in support of pathogenic classification: Variant is predicted to result in a truncated protein (premature termination codon is NOT located at least 54 nucleotides upstream of the final exon-exon junction) with less than 1/3 of the protein sequence affected; Variant is present in gnomAD <0.01 for a recessive condition (v4: 29 heterozygote(s), 0 homozygote(s), 8 hemizygote(s)); Variant is predicted to abolish the established functional GPI anchor motif (PMID: 14507859). Additional information: This variant is heterozygous; This gene is associated with X-linked disease; Previous reports of pathogenicity for this variant are conflicting. This variant has been classified as likely pathogenic and as a VUS by two separate clinical laboratories in ClinVar; No published evidence of segregation with disease has been identified for this variant; No published functional evidence has been identified for this variant; No comparable protein truncating variants have previous evidence for pathogenicity; Loss of function is a likely mechanism of disease in this gene and is associated with night blindness, congenital stationary (complete), 1A, X-linked (MIM#310500).

Labcorp Genetics (formerly Invitae), Labcorp
Classification: Uncertain significance. Last evaluated: 2023-07-17. Review status: criteria provided, single submitter. Criteria: Invitae Variant Classification Sherloc (09022015). Collection method: clinical testing. Allele origin: germline.
Comment: This sequence change creates a premature translational stop signal (p.Gly452*) in the NYX gene. While this is not anticipated to result in nonsense mediated decay, it is expected to disrupt the last 30 amino acid(s) of the NYX protein. This variant is present in population databases (rs764736358, gnomAD 0.01%). This variant has not been reported in the literature in individuals affected with NYX-related conditions. ClinVar contains an entry for this variant (Variation ID: 489017). In summary, the available evidence is currently insufficient to determine the role of this variant in disease. Therefore, it has been classified as a Variant of Uncertain Significance.

GeneDx
Classification: Likely pathogenic. Last evaluated: 2017-07-07. Review status: criteria provided, single submitter. Criteria: GeneDx Variant Classification (06012015). Collection method: clinical testing. Allele origin: germline. Affected: yes.
Comment: The G452X variant in the NYX gene has not been reported previously as a pathogenic variant, nor as a benign variant, to our knowledge. This variant is predicted to cause loss of normal protein function through protein truncation. The G452X variant is not observed at a significant frequency in large population cohorts (Lek et al., 2016; 1000 Genomes Consortium et al., 2015; Exome Variant Server). We interpret G452X as a likely pathogenic variant.

Literature cited by the submitters: PubMed 14507859 (cited by Victorian Clinical Genetics Services, Murdoch Childrens Research Institute).

NM_001378477.3(NYX):c.1339G>T (p.Gly447Ter)

Gene: NYX (nyctalopin; plus strand). Cytogenetic location: Xp11.4.
Variant type: single nucleotide variant.
Coding change: c.1339G>T on transcript NM_001378477.3 (MANE Select); coding-DNA position 1339, G replaced by T.
Protein change: p.Gly447Ter; replaces glycine 447 with a stop codon.
Molecular consequence: nonsense.
Genome position (GRCh38, 1-based): chrX:41,474,807, G>T. VCF-style: chrX-41474807-G-T. GRCh37 (hg19) VCF-style: chrX-41334060-G-T.
Other names: c.1339G>T, p.Gly447Ter (NM_022567.3); short protein forms G452*, G447*.
Identifiers: ClinVar variation 489017 (VCV000489017.11), dbSNP rs764736358, ClinGen allele CA10389947.
Genomic context (GRCh38, chrX:41,474,807, plus strand): 5'-AACACCACTGGGGGGCTGGCCAACGCCTCCCTGTCCGACAGCCTCTCCTCCCGTGGGGTG[G>T]GAGGCGCGGGCCGGCAGCCCTGGTTTCTCCTCGCCTCTTGTCTCCTGCCCAGCGTGGCCC-3'